The following is an entry in ClinVar:

NM_004994.3(MMP9):c.559C>T (p.Leu187Phe)

Gene: MMP9 (matrix metallopeptidase 9; plus strand). Cytogenetic location: 20q13.12.
Variant type: single nucleotide variant.
Coding change: c.559C>T on transcript NM_004994.3 (MANE Select); coding-DNA position 559, C replaced by T.
Protein change: p.Leu187Phe; replaces leucine 187 with phenylalanine.
Molecular consequence: missense variant.
Genome position (GRCh38, 1-based): chr20:46,010,960, C>T. VCF-style: chr20-46010960-C-T. GRCh37 (hg19) VCF-style: chr20-44639599-C-T.
Other names: short protein forms L187F.
Identifiers: ClinVar variation 773609 (VCV000773609.42), dbSNP rs55789927, ClinGen allele CA9886442.
Genomic context (GRCh38, chr20:46,010,960, plus strand): 5'-TCCTCTCGACCTGTTTCTTCAGAGCACGGAGACGGGTATCCCTTCGACGGGAAGGACGGG[C>T]TCCTGGCACACGCCTTTCCTCCTGGCCCCGGCATTCAGGGAGACGCCCATTTCGACGATG-3'
Protein context (NP_004985.2, residues 177-197): DGYPFDGKDG[Leu187Phe]LAHAFPPGPG

ClinVar aggregate classification (germline): Benign/Likely benign. Review status: criteria provided, multiple submitters, no conflicts (2 of 4 stars). 5 submissions from 5 submitters: Benign (2); Likely benign (2). 1 of the submissions does not count toward it. Last evaluated 2026-07-01.

Conditions:
Metaphyseal anadysplasia 2 (MANDP2). Also called: Metaphyseal anadysplasia 2, autosomal recessive. Identifiers: Orphanet 1040, MedGen C2751322, MONDO:0013113, OMIM 613073.
MMP9-related disorder. Also called: MMP9-related condition.

Allele frequency attached by ClinVar (database versions not stated): ESP Exome Variant Server 0.00092; TOPMed 0.00109; 1000 Genomes Project 30x 0.00187; 1000 Genomes Project 0.00200; gnomAD 0.00255.

Submissions (5):

CeGaT Center for Human Genetics Tuebingen
Classification: Likely benign. Last evaluated: 2026-07-01. Review status: criteria provided, single submitter. Criteria: CeGaT Center For Human Genetics Tuebingen Variant Classification Criteria Version 2. Collection method: clinical testing. Allele origin: germline. Affected: yes. Observed: 4 variant alleles.
Comment: MMP9: BS2

Labcorp Genetics (formerly Invitae), Labcorp
Classification: Likely benign. Last evaluated: 2025-10-18. Review status: criteria provided, single submitter. Criteria: Invitae Variant Classification Sherloc (09022015). Collection method: clinical testing. Allele origin: germline.

GeneDx
Classification: Benign. Last evaluated: 2020-07-10. Review status: criteria provided, single submitter. Criteria: GeneDx Variant Classification Process June 2021. Collection method: clinical testing. Allele origin: germline. Affected: yes.
Comment: This variant is associated with the following publications: (PMID: 20605480, 30248431, 22942228, 28342220)

Illumina Laboratory Services, Illumina
Classification: Benign for Metaphyseal anadysplasia 2. Last evaluated: 2017-04-28. Review status: criteria provided, single submitter. Criteria: ICSL Variant Classification Criteria 13 December 2019. Collection method: clinical testing. Allele origin: germline.
Comment: This variant was observed as part of a predisposition screen in an ostensibly healthy population. A literature search was performed for the gene, cDNA change, and amino acid change (where applicable). Publications were found based on this search. The evidence from the literature, in combination with allele frequency data from public databases where available, was sufficient to rule this variant out of causing disease. Therefore, this variant is classified as benign.

PreventionGenetics, part of Exact Sciences
Classification: Likely benign for MMP9-related condition. Last evaluated: 2019-08-08. Review status: no assertion criteria provided. Collection method: clinical testing. Allele origin: germline. Not counted in ClinVar's aggregate classification.
Comment: This variant is classified as likely benign based on ACMG/AMP sequence variant interpretation guidelines (Richards et al. 2015 PMID: 25741868, with internal and published modifications).

Literature cited by the submitters: PubMed 20605480 (cited by Illumina Laboratory Services, Illumina); PubMed 22942228 (cited by Illumina Laboratory Services, Illumina).